The following is an entry in ClinVar:

NM_001142864.4(PIEZO1):c.2889C>G (p.Ala963=)

Genes: HSALR1 (HSP90AB1 associated lncRNA 1; plus strand), PIEZO1 (piezo type mechanosensitive ion channel component 1 (Er blood group); minus strand). Cytogenetic location: 16q24.3.
Variant type: single nucleotide variant.
Coding change: c.2889C>G on transcript NM_001142864.4 (MANE Select); coding-DNA position 2889, C replaced by G.
Protein change: p.Ala963=; no amino-acid change (alanine 963 retained).
Molecular consequence: synonymous variant.
Genome position (GRCh38, 1-based): chr16:88,732,437, G>C on the plus strand (C>G on the coding strand, the complement: PIEZO1 is on the minus strand). VCF-style: chr16-88732437-G-C. GRCh37 (hg19) VCF-style: chr16-88798845-G-C.
Other names: p.Ala963=.
Identifiers: ClinVar variation 732057 (VCV000732057.20), dbSNP rs533382499, ClinGen allele CA8232678.

ClinVar aggregate classification (germline): Benign/Likely benign. Review status: criteria provided, multiple submitters, no conflicts (2 of 4 stars). 5 submissions from 5 submitters: Benign (2); Likely benign (2). 1 of the submissions does not count toward it. Last evaluated 2025-11-16.

Conditions:
PIEZO1-related disorder. Also called: PIEZO1-Related Disorders; PIEZO1-related condition.

Allele frequency attached by ClinVar (database versions not stated): gnomAD 0.00030 and 0.00059; TOPMed 0.00051; ExAC 0.00083; gnomAD exomes 0.00093; 1000 Genomes Project 30x 0.00172; 1000 Genomes Project 0.00200.
gnomAD v4.1: 1,453 of 1,549,676 alleles (0.094%); highest among the groups gnomAD compares: East Asian, 2.9%; 25 homozygotes.

Submissions (5):

Labcorp Genetics (formerly Invitae), Labcorp
Classification: Benign. Last evaluated: 2025-11-16. Review status: criteria provided, single submitter. Criteria: Invitae Variant Classification Sherloc (09022015). Collection method: clinical testing. Allele origin: germline.

Blueprint Genetics
Classification: Likely benign. Last evaluated: 2024-11-27. Review status: criteria provided, single submitter. Criteria: ACMG Guidelines, 2015. Collection method: clinical testing. Allele origin: germline.

Mayo Clinic Laboratories, Mayo Clinic
Classification: Likely benign. Last evaluated: 2024-02-26. Review status: criteria provided, single submitter. Criteria: ACMG Guidelines, 2015. Collection method: clinical testing. Allele origin: germline. Observed: 4 variant alleles.
Comment: BP4, BP7

ARUP Laboratories, Molecular Genetics and Genomics, ARUP Laboratories
Classification: Benign. Last evaluated: 2020-11-18. Review status: criteria provided, single submitter. Criteria: ARUP Molecular Germline Variant Investigation Process 2021. Collection method: clinical testing. Allele origin: germline.

PreventionGenetics, part of Exact Sciences
Classification: Benign for PIEZO1-related condition. Last evaluated: 2019-07-10. Review status: no assertion criteria provided. Collection method: clinical testing. Allele origin: germline. Not counted in ClinVar's aggregate classification.
Comment: This variant is classified as benign based on ACMG/AMP sequence variant interpretation guidelines (Richards et al. 2015 PMID: 25741868, with internal and published modifications).